The following is an entry in ClinVar:

NM_001142864.4(PIEZO1):c.5766G>A (p.Ala1922=)

Gene: PIEZO1 (piezo type mechanosensitive ion channel component 1 (Er blood group); minus strand). Cytogenetic location: 16q24.3.
Variant type: single nucleotide variant.
Coding change: c.5766G>A on transcript NM_001142864.4 (MANE Select); coding-DNA position 5766, G replaced by A.
Protein change: p.Ala1922=; no amino-acid change (alanine 1922 retained).
Molecular consequence: synonymous variant.
Genome position (GRCh38, 1-based): chr16:88,720,651, C>T on the plus strand (G>A on the coding strand, the complement: PIEZO1 is on the minus strand). VCF-style: chr16-88720651-C-T. GRCh37 (hg19) VCF-style: chr16-88787059-C-T.
Identifiers: ClinVar variation 4873380 (VCV004873380.2).

ClinVar aggregate classification (germline): Likely benign (1 of 4 stars; one submission).

gnomAD v4.1: 13 of 1,547,912 alleles (0.00084%); highest among the groups gnomAD compares: African/African-American, 0.0027%; no homozygotes.

Submission:

CeGaT Center for Human Genetics Tuebingen
Classification: Likely benign. Last evaluated: 2026-04-01. Review status: criteria provided, single submitter. Criteria: CeGaT Center For Human Genetics Tuebingen Variant Classification Criteria Version 2. Collection method: clinical testing. Allele origin: germline. Affected: yes. Observed: 1 variant allele.
Comment: PIEZO1: BP4, BP7